The following is an entry in ClinVar:

ClinVar aggregate classification (germline): Uncertain significance. Review status: criteria provided, multiple submitters, no conflicts (2 of 4 stars). 2 submissions from 2 submitters: Uncertain significance (2). Last evaluated 2024-03-07.

Conditions:
Cardiomyopathy (CMYO). Also called: Cardiomyopathies. Identifiers: Orphanet 167848, MedGen C0878544, MONDO:0004994, HP:0001638. Inheritance: Various modes of inheritance.

Submissions (2):

Color Diagnostics, LLC DBA Color Health
Classification: Uncertain significance for Cardiomyopathy. Last evaluated: 2024-03-07. Review status: criteria provided, single submitter. Criteria: ACMG Guidelines, 2015. Collection method: clinical testing. Allele origin: germline.
Comment: This missense variant replaces alanine with proline at codon 107 of the TPM1 protein. Computational prediction is inconclusive regarding the impact of this variant on protein structure and function (internally defined REVEL score threshold 0.5 < inconclusive < 0.7, PMID: 27666373). To our knowledge, functional studies have not been reported for this variant. This variant has not been reported in individuals affected with cardiovascular disorders in the literature. This variant has not been identified in the general population by the Genome Aggregation Database (gnomAD). The available evidence is insufficient to determine the role of this variant in disease conclusively. Therefore, this variant is classified as a Variant of Uncertain Significance.

GeneDx
Classification: Uncertain significance. Last evaluated: 2022-07-29. Review status: criteria provided, single submitter. Criteria: GeneDx Variant Classification Process June 2021. Collection method: clinical testing. Allele origin: germline. Affected: yes.
Comment: Has not been previously published as pathogenic or benign to our knowledge; Not observed at significant frequency in large population cohorts (gnomAD); In silico analysis supports that this missense variant has a deleterious effect on protein structure/function

NM_001018005.2(TPM1):c.319G>C (p.Ala107Pro)

Gene: TPM1 (tropomyosin 1; plus strand). Cytogenetic location: 15q22.2.
Variant type: single nucleotide variant.
Coding change: c.319G>C on transcript NM_001018005.2 (MANE Select); coding-DNA position 319, G replaced by C.
Protein change: p.Ala107Pro; replaces alanine 107 with proline.
Molecular consequence: missense variant.
Genome position (GRCh38, 1-based): chr15:63,057,063, G>C. VCF-style: chr15-63057063-G-C. GRCh37 (hg19) VCF-style: chr15-63349262-G-C.
Other names: c.319G>C, p.Ala107Pro (NM_000366.6, NM_001018004.2, NM_001018006.2 and 20 more transcripts); c.211G>C, p.Ala71Pro (NM_001018008.2, NM_001301289.2, NM_001330344.2 and 9 more transcripts); c.445G>C, p.Ala149Pro (NM_001365778.1, NM_001407322.1, NM_001407323.1 and 1 more transcripts); short protein forms A107P, A149P, A71P.
Identifiers: ClinVar variation 2413051 (VCV002413051.5), dbSNP rs2542721670, ClinGen allele CA392721008.
Genomic context (GRCh38, chr15:63,057,063, plus strand): 5'-TCTCTGAACAGACGCATCCAGCTGGTTGAGGAAGAGTTGGATCGTGCCCAGGAGCGTCTG[G>C]CAACAGCTTTGCAGAAGCTGGAGGAAGCTGAGAAGGCAGCAGATGAGAGTGAGAGGTGAG-3'
Protein context (NP_001018005.1, residues 97-117): EELDRAQERL[Ala107Pro]TALQKLEEAE